The following is an entry in ClinVar:

ClinVar aggregate classification (germline): Uncertain significance. Review status: criteria provided, multiple submitters, no conflicts (2 of 4 stars). 2 submissions from 2 submitters: Uncertain significance (2). Last evaluated 2025-01-18.

Conditions:
Inborn genetic diseases. Identifiers: MedGen C0950123, MeSH D030342.

Allele frequency attached by ClinVar (database versions not stated): ExAC 0.00001; TOPMed 0.00001; gnomAD exomes 0.00002; gnomAD 0.00003.

Submissions (2):

Labcorp Genetics (formerly Invitae), Labcorp
Classification: Uncertain significance. Last evaluated: 2025-01-18. Review status: criteria provided, single submitter. Criteria: Invitae Variant Classification Sherloc (09022015). Collection method: clinical testing. Allele origin: germline.
Comment: This sequence change replaces arginine, which is basic and polar, with cysteine, which is neutral and slightly polar, at codon 304 of the PDE6B protein (p.Arg304Cys). This variant is present in population databases (rs573290599, gnomAD 0.007%). This variant has not been reported in the literature in individuals affected with PDE6B-related conditions. ClinVar contains an entry for this variant (Variation ID: 1954794). Invitae Evidence Modeling of protein sequence and biophysical properties (such as structural, functional, and spatial information, amino acid conservation, physicochemical variation, residue mobility, and thermodynamic stability) has been performed for this missense variant. However, the output from this modeling did not meet the statistical confidence thresholds required to predict the impact of this variant on PDE6B protein function. In summary, the available evidence is currently insufficient to determine the role of this variant in disease. Therefore, it has been classified as a Variant of Uncertain Significance.

Ambry Genetics
Classification: Uncertain significance for Inborn genetic diseases. Last evaluated: 2025-01-16. Review status: criteria provided, single submitter. Criteria: Ambry Variant Classification Scheme 2023. Collection method: clinical testing. Allele origin: germline.

NM_000283.4(PDE6B):c.910C>T (p.Arg304Cys)

Genes: PDE6B (phosphodiesterase 6B; plus strand), PDE6B-AS1 (PDE6B antisense RNA 1; minus strand). Cytogenetic location: 4p16.3.
Variant type: single nucleotide variant.
Coding change: c.910C>T on transcript NM_000283.4 (MANE Select); coding-DNA position 910, C replaced by T.
Protein change: p.Arg304Cys; replaces arginine 304 with cysteine.
Molecular consequence: missense variant. On other transcripts: 5 prime UTR variant (1).
Genome position (GRCh38, 1-based): chr4:654,137, C>T. VCF-style: chr4-654137-C-T. GRCh37 (hg19) VCF-style: chr4-647926-C-T.
Other names: c.910C>T (NM_000283.3); c.910C>T, p.Arg304Cys (NM_001145291.2); c.73C>T, p.Arg25Cys (NM_001145292.2, NM_001350154.3, NM_001379246.1 and 1 more transcripts); c.-131C>T (NM_001350155.3); short protein forms R304C, R25C.
Identifiers: ClinVar variation 1954794 (VCV001954794.6), dbSNP rs573290599, ClinGen allele CA2794173.